The following is an entry in ClinVar:

NM_000455.5(STK11):c.177T>C (p.Ser59=)

Gene: STK11 (serine/threonine kinase 11; plus strand). Cytogenetic location: 19p13.3.
Variant type: single nucleotide variant.
Coding change: c.177T>C on transcript NM_000455.5 (MANE Select); coding-DNA position 177, T replaced by C.
Protein change: p.Ser59=; no amino-acid change (serine 59 retained).
Molecular consequence: synonymous variant. On other transcripts: non-coding transcript variant (1).
Genome position (GRCh38, 1-based): chr19:1,207,090, T>C. VCF-style: chr19-1207090-T-C. GRCh37 (hg19) VCF-style: chr19-1207089-T-C.
Other names: c.177T>C, p.Ser59= (NM_001407255.1).
Identifiers: ClinVar variation 3903812 (VCV003903812.1).

ClinVar aggregate classification (germline): Benign (1 of 4 stars; one submission).

Conditions:
Peutz-Jeghers syndrome (PJS). Also called: POLYPOSIS, HAMARTOMATOUS INTESTINAL; POLYPS-AND-SPOTS SYNDROME; Peutz-Jeghers polyposis; Periorificial lentiginosis syndrome. Identifiers: Orphanet 2869, MedGen C0031269, MeSH D010580, MONDO:0008280, OMIM 175200.

Submission:

Myriad Genetics, Inc.
Classification: Benign for Peutz-Jeghers syndrome. Last evaluated: 2025-03-25. Review status: criteria provided, single submitter. Criteria: Myriad Autosomal Dominant, Autosomal Recessive and X-Linked Classification Criteria (2023). Collection method: clinical testing. Allele origin: unknown.
Comment: This variant is considered benign. This variant is a silent/synonymous amino acid change and it is not expected to impact splicing.